The following is an entry in ClinVar:

ClinVar aggregate classification (germline): Uncertain significance (1 of 4 stars; one submission).

Allele frequency attached by ClinVar (database versions not stated): gnomAD exomes 0.00001.

Submission:

Labcorp Genetics (formerly Invitae), Labcorp
Classification: Uncertain significance. Last evaluated: 2022-01-27. Review status: criteria provided, single submitter. Criteria: Invitae Variant Classification Sherloc (09022015). Collection method: clinical testing. Allele origin: germline.
Comment: In summary, the available evidence is currently insufficient to determine the role of this variant in disease. Therefore, it has been classified as a Variant of Uncertain Significance. Algorithms developed to predict the effect of missense changes on protein structure and function (SIFT, PolyPhen-2, Align-GVGD) all suggest that this variant is likely to be tolerated. ClinVar contains an entry for this variant (Variation ID: 934301). This variant has not been reported in the literature in individuals affected with KIAA1549-related conditions. This variant is not present in population databases (gnomAD no frequency). This sequence change replaces threonine, which is neutral and polar, with serine, which is neutral and polar, at codon 167 of the KIAA1549 protein (p.Thr167Ser).

NM_001164665.2(KIAA1549):c.500C>G (p.Thr167Ser)

Gene: KIAA1549 (KIAA1549; minus strand). Cytogenetic location: 7q34.
Variant type: single nucleotide variant.
Coding change: c.500C>G on transcript NM_001164665.2 (MANE Select); coding-DNA position 500, C replaced by G.
Protein change: p.Thr167Ser; replaces threonine 167 with serine.
Molecular consequence: missense variant.
Genome position (GRCh38, 1-based): chr7:138,919,126, G>C on the plus strand (C>G on the coding strand, the complement: KIAA1549 is on the minus strand). VCF-style: chr7-138919126-G-C. GRCh37 (hg19) VCF-style: chr7-138603872-G-C.
Other names: c.500C>G, p.Thr167Ser (NM_020910.3); short protein forms T167S.
Identifiers: ClinVar variation 934301 (VCV000934301.9), dbSNP rs1812458608, ClinGen allele CA369402931.
Genomic context (GRCh38, chr7:138,919,126, plus strand): 5'-CTGGGCAGCCCTGGTGGGCTGACTGTGATATACTGTATTGGAGAAACCATCCGTGGAGTG[G>C]TCCAGTGAGTATCTGGCAGAAAGTTATCCATCTCATCGTCATTGACGGCCACCTCTTTAC-3'
Protein context (NP_001158137.1, residues 157-177): MDNFLPDTHW[Thr167Ser]TPRMVSPIQY